The following is an entry in ClinVar:

ClinVar aggregate classification (germline): Likely benign (0 of 4 stars; one submission).

Conditions:
GIGYF1-related disorder. Also called: GIGYF1-related condition.

Allele frequency attached by ClinVar (database versions not stated): ExAC 0.00004; TOPMed 0.00004; gnomAD 0.00005; 1000 Genomes Project 30x 0.00016; 1000 Genomes Project 0.00020.
gnomAD v4.1: 40 of 1,613,310 alleles (0.0025%); highest among the groups gnomAD compares: South Asian, 0.022%; no homozygotes.

Submission:

PreventionGenetics, part of Exact Sciences
Classification: Likely benign for GIGYF1-related condition. Last evaluated: 2019-05-02. Review status: no assertion criteria provided. Collection method: clinical testing. Allele origin: germline.
Comment: This variant is classified as likely benign based on ACMG/AMP sequence variant interpretation guidelines (Richards et al. 2015 PMID: 25741868, with internal and published modifications).

NM_001375765.1(GIGYF1):c.524-10C>T

Gene: GIGYF1 (GRB10 interacting GYF protein 1; minus strand). Cytogenetic location: 7q22.1.
Variant type: single nucleotide variant.
Coding change: c.524-10C>T on transcript NM_001375765.1 (MANE Select); 10 bases into the intron before coding-DNA position 524, C replaced by T.
Molecular consequence: intron variant.
Genome position (GRCh38, 1-based): chr7:100,686,829, G>A on the plus strand (C>T on the coding strand, the complement: GIGYF1 is on the minus strand). VCF-style: chr7-100686829-G-A. GRCh37 (hg19) VCF-style: chr7-100284452-G-A.
Other names: NM_022574.4:c.524-10C>T; c.524-10C>T (NM_001375760.1, NM_001375764.1, NM_001375766.1 and 6 more transcripts).
Identifiers: ClinVar variation 3058411 (VCV003058411.2), dbSNP rs200473450, ClinGen allele CA4388948.